The following is an entry in ClinVar:

ClinVar aggregate classification (germline): Uncertain significance (1 of 4 stars; one submission).

Conditions:
Premature ovarian insufficiency (POF). Also called: Premature ovarian failure. Identifiers: MedGen C4303540, HP:0008209.

Submission:

Lupski Lab, Baylor-Hopkins CMG, Baylor College of Medicine
Classification: Uncertain significance for Primary Ovarian Insufficiency. Last evaluated: 2019-04-22. Review status: criteria provided, single submitter. Criteria: Jolly et al. (J Clin Endocrinol Metab. 2019). Collection method: research. Allele origin: inherited, unknown. Inheritance: Autosomal dominant inheritance. Affected: yes and no. Observed: 2 variant alleles, 2 heterozygotes. Clinical features observed: Premature ovarian insufficiency (HP:0001587), Partial anosmia (HP:0010633).

NM_178822.5(IGSF10):c.7849del (p.Ala2617fs)

Gene: IGSF10 (immunoglobulin superfamily member 10; minus strand). Cytogenetic location: 3q25.1.
Variant type: Deletion.
Coding change: c.7849del on transcript NM_178822.5 (MANE Select); coding-DNA position 7849, one base deleted (G; older notation c.7849delG).
Protein change: p.Ala2617fs; shifts the reading frame from alanine 2617.
Molecular consequence: frameshift variant.
Genome position (GRCh38, 1-based): chr3:151,436,712, C deleted on the plus strand (G on the coding strand, the reverse complement: IGSF10 is on the minus strand). VCF-style (leftmost placement, unchanged base first): chr3-151436711-GC-G. GRCh37 (hg19) VCF-style: chr3-151154499-GC-G.
Other names: c.7849delG (NM_178822.4); c.1786del, p.Ala596fs (NM_001178145.3, NM_001178146.3); c.7849del, p.Ala2617fs (NM_001385060.1, NM_001385061.1, NM_001385062.1 and 1 more transcripts); short protein forms A2617fs, A596fs.
Identifiers: ClinVar variation 812140 (VCV000812140.1), dbSNP rs1577654964, ClinGen allele CA915941613.